The following is an entry in ClinVar:

NM_001002295.2(GATA3):c.706C>T (p.Pro236Ser)

Gene: GATA3 (GATA binding protein 3; plus strand). Cytogenetic location: 10p14.
Variant type: single nucleotide variant.
Coding change: c.706C>T on transcript NM_001002295.2 (MANE Select); coding-DNA position 706, C replaced by T.
Protein change: p.Pro236Ser; replaces proline 236 with serine.
Molecular consequence: missense variant.
Genome position (GRCh38, 1-based): chr10:8,058,769, C>T. VCF-style: chr10-8058769-C-T. GRCh37 (hg19) VCF-style: chr10-8100732-C-T.
Other names: HDRS; c.706C>T, p.Pro236Ser (NM_002051.3); short protein forms P236S.
Identifiers: ClinVar variation 1310417 (VCV001310417.7), dbSNP rs148835259, ClinGen allele CA5404432.

ClinVar aggregate classification (germline): Uncertain significance. Review status: criteria provided, multiple submitters, no conflicts (2 of 4 stars). 4 submissions from 4 submitters: Uncertain significance (4). Last evaluated 2025-11-13.

Conditions:
Hypoparathyroidism, deafness, renal disease syndrome (HDRS). Also called: HYPOPARATHYROIDISM, SENSORINEURAL DEAFNESS, AND RENAL DYSPLASIA SYNDROME. Identifiers: Orphanet 2237, MedGen C1840333, MONDO:0007797, OMIM 146255.

Allele frequency attached by ClinVar (database versions not stated): ESP Exome Variant Server 0.00008.
gnomAD v4.1: 40 of 1,610,702 alleles (0.0025%); highest among the groups gnomAD compares: African/African-American, 0.019%; no homozygotes.

Submissions (4):

Labcorp Genetics (formerly Invitae), Labcorp
Classification: Uncertain significance. Last evaluated: 2025-11-13. Review status: criteria provided, single submitter. Criteria: Invitae Variant Classification Sherloc (09022015). Collection method: clinical testing. Allele origin: germline.
Comment: This sequence change replaces proline, which is neutral and non-polar, with serine, which is neutral and polar, at codon 236 of the GATA3 protein (p.Pro236Ser). This variant is present in population databases (rs148835259, gnomAD 0.02%). This variant has not been reported in the literature in individuals affected with GATA3-related conditions. ClinVar contains an entry for this variant (Variation ID: 1310417). Invitae Evidence Modeling of protein sequence and biophysical properties (such as structural, functional, and spatial information, amino acid conservation, physicochemical variation, residue mobility, and thermodynamic stability) indicates that this missense variant is not expected to disrupt GATA3 protein function with a negative predictive value of 80%. In summary, the available evidence is currently insufficient to determine the role of this variant in disease. Therefore, it has been classified as a Variant of Uncertain Significance.

Laboratory of Prof. Karen Avraham, Tel Aviv University
Classification: Uncertain significance for Hypoparathyroidism, deafness, renal disease syndrome. Last evaluated: 2024-12-25. Review status: criteria provided, single submitter. Criteria: ACMG Guidelines, 2015. Collection method: research. Allele origin: germline. Affected: yes. Observed: 1 variant allele.
Comment: The GATA3 c.706C>T:p.(Pro236Ser) heterozygous variant is very rare and predicted deleterious.

Fulgent Genetics
Classification: Uncertain significance for Hypoparathyroidism, deafness, renal disease syndrome. Last evaluated: 2024-05-23. Review status: criteria provided, single submitter. Criteria: ACMG Guidelines, 2015. Collection method: clinical testing. Allele origin: germline.

GeneDx
Classification: Uncertain significance. Last evaluated: 2023-11-01. Review status: criteria provided, single submitter. Criteria: GeneDx Variant Classification Process June 2021. Collection method: clinical testing. Allele origin: germline. Affected: yes.
Comment: In silico analysis supports that this missense variant has a deleterious effect on protein structure/function; Has not been previously published as pathogenic or benign to our knowledge